The following is an entry in ClinVar:

NM_000059.4(BRCA2):c.971del (p.Arg324fs)

Gene: BRCA2 (BRCA2 DNA repair associated; plus strand). Cytogenetic location: 13q13.1.
Variant type: Deletion.
Coding change: c.971del on transcript NM_000059.4 (MANE Select); coding-DNA position 971, one base deleted (G; older notation c.971delG).
Protein change: p.Arg324fs; shifts the reading frame from arginine 324.
Molecular consequence: frameshift variant.
Genome position (GRCh38, 1-based): chr13:32,332,449, G deleted. VCF-style (leftmost placement, unchanged base first): chr13-32332448-AG-A. GRCh37 (hg19) VCF-style: chr13-32906585-AG-A.
Other names: c.971delG, p.Arg324Lysfs (NM_001406719.1, NM_001406720.1, NM_001406721.1); short protein forms R324fs.
Identifiers: ClinVar variation 2080107 (VCV002080107.5), dbSNP rs2548519238, ClinGen allele CA2580087187.

ClinVar aggregate classification (germline): Pathogenic. Review status: criteria provided, multiple submitters, no conflicts (2 of 4 stars). 2 submissions from 2 submitters: Pathogenic (2). Last evaluated 2023-02-23.

Conditions:
Breast-ovarian cancer, familial, susceptibility to, 2 (BROVCA2). Also called: BRCA2 Hereditary Breast and Ovarian Cancer. Identifiers: Orphanet 145, MedGen C2675520, MONDO:0012933, OMIM 612555. Disease mechanism: loss of function.
Hereditary breast ovarian cancer syndrome. Also called: BRCA1- and BRCA2-Associated Hereditary Breast and Ovarian Cancer; Hereditary breast and ovarian cancer; Hereditary breast and ovarian cancer syndrome (HBOC); Breast and ovarian cancer; Hereditary breast and ovarian cancer syndrome; Hereditary breast and/or ovarian cancer syndrome. Identifiers: Orphanet 145, MedGen C0677776, MeSH D061325, MONDO:0003582. Disease mechanism: loss of function.

Submissions (2):

Myriad Genetics, Inc.
Classification: Pathogenic for Breast-ovarian cancer, familial, susceptibility to, 2. Last evaluated: 2023-02-23. Review status: criteria provided, single submitter. Criteria: Myriad Autosomal Dominant, Autosomal Recessive and X-Linked Classification Criteria (2023). Collection method: clinical testing. Allele origin: unknown.
Comment: This variant is considered pathogenic. This variant creates a frameshift predicted to result in premature protein truncation.

Labcorp Genetics (formerly Invitae), Labcorp
Classification: Pathogenic for Hereditary breast ovarian cancer syndrome. Last evaluated: 2022-01-11. Review status: criteria provided, single submitter. Criteria: Invitae Variant Classification Sherloc (09022015). Collection method: clinical testing. Allele origin: germline.
Comment: For these reasons, this variant has been classified as Pathogenic. This variant has not been reported in the literature in individuals affected with BRCA2-related conditions. This variant is not present in population databases (gnomAD no frequency). This sequence change creates a premature translational stop signal (p.Arg324Lysfs*25) in the BRCA2 gene. It is expected to result in an absent or disrupted protein product. Loss-of-function variants in BRCA2 are known to be pathogenic (PMID: 20104584).

Literature cited by the submitters: PubMed 20104584 (cited by Labcorp Genetics (formerly Invitae), Labcorp).